The following is an entry in ClinVar:

ClinVar aggregate classification (germline): Uncertain significance (1 of 4 stars; one submission).

Conditions:
Lymphoproliferative syndrome 2 (LPFS2). Also called: CD27 DEFICIENCY; Combined immunodeficiency due to CD27 deficiency. Identifiers: Orphanet 238505, MedGen C3554540, MONDO:0014054, OMIM 615122.

Allele frequency attached by ClinVar (database versions not stated): gnomAD exomes 0.00001 and 0.00002; ExAC 0.00002.

Submission:

Labcorp Genetics (formerly Invitae), Labcorp
Classification: Uncertain significance for Lymphoproliferative syndrome 2. Last evaluated: 2021-07-15. Review status: criteria provided, single submitter. Criteria: Invitae Variant Classification Sherloc (09022015). Collection method: clinical testing. Allele origin: germline.
Comment: Algorithms developed to predict the effect of missense changes on protein structure and function output the following: SIFT: "Tolerated"; PolyPhen-2: "Benign"; Align-GVGD: "Class C0". The arginine amino acid residue is found in multiple mammalian species, suggesting that this missense change does not adversely affect protein function. These predictions have not been confirmed by published functional studies and their clinical significance is uncertain. This variant has not been reported in the literature in individuals with CD27-related disease. This variant is present in population databases (rs752259578, ExAC 0.009%). This sequence change replaces glutamine with arginine at codon 41 of the CD27 protein (p.Gln41Arg). The glutamine residue is highly conserved and there is a small physicochemical difference between glutamine and arginine. In summary, the available evidence is currently insufficient to determine the role of this variant in disease. Therefore, it has been classified as a Variant of Uncertain Significance.

NM_001242.5(CD27):c.122A>G (p.Gln41Arg)

Genes: CD27 (CD27 molecule; plus strand), CD27-AS1 (CD27 antisense RNA 1; minus strand). Cytogenetic location: 12p13.31.
Variant type: single nucleotide variant.
Coding change: c.122A>G on transcript NM_001242.5 (MANE Select); coding-DNA position 122, A replaced by G.
Protein change: p.Gln41Arg; replaces glutamine 41 with arginine.
Molecular consequence: missense variant.
Genome position (GRCh38, 1-based): chr12:6,445,217, A>G. VCF-style: chr12-6445217-A-G. GRCh37 (hg19) VCF-style: chr12-6554383-A-G.
Other names: short protein forms Q41R.
Identifiers: ClinVar variation 581569 (VCV000581569.7), dbSNP rs752259578, ClinGen allele CA6406871.